The following is an entry in ClinVar:

ClinVar aggregate classification (germline): Uncertain significance (1 of 4 stars; one submission).

Conditions:
Charcot-Marie-Tooth disease type 2. Also called: Charcot-Marie-Tooth type 2. Identifiers: Orphanet 64746, MedGen C0270914, MONDO:0018993.

Submission:

Labcorp Genetics (formerly Invitae), Labcorp
Classification: Uncertain significance for Charcot-Marie-Tooth disease type 2. Last evaluated: 2026-01-19. Review status: criteria provided, single submitter. Criteria: Invitae Variant Classification Sherloc (09022015). Collection method: clinical testing. Allele origin: germline.
Comment: This variant, c.693_695del, results in the deletion of 1 amino acid(s) of the MED25 protein (p.Gly233del), but otherwise preserves the integrity of the reading frame. This variant is not present in population databases (gnomAD no frequency). This variant has not been reported in the literature in individuals affected with MED25-related conditions. ClinVar contains an entry for this variant (Variation ID: 1991489). In summary, the available evidence is currently insufficient to determine the role of this variant in disease. Therefore, it has been classified as a Variant of Uncertain Significance.

NM_030973.4(MED25):c.693_695del (p.Gly233del)

Gene: MED25 (mediator complex subunit 25; plus strand). Cytogenetic location: 19q13.33.
Variant type: Deletion.
Coding change: c.693_695del on transcript NM_030973.4 (MANE Select); coding-DNA positions 693 to 695, 3 bases deleted (GGG; older notation c.693_695delGGG).
Protein change: p.Gly233del; deletes glycine 233.
Molecular consequence: inframe deletion.
Genome position (GRCh38, 1-based): chr19:49,830,092-49,830,094, GGG deleted; deleting any 3 consecutive bases within chr19:49,830,090-49,830,094 gives the same sequence; the c. name uses the placement nearest the transcript's 3' end. VCF-style (leftmost placement, unchanged base first): chr19-49830089-TGGG-T. GRCh37 (hg19) VCF-style: chr19-50333346-TGGG-T.
Other names: c.693_695del, p.Gly233del (NM_001378355.1); short protein forms G233del.
Identifiers: ClinVar variation 1991489 (VCV001991489.4), dbSNP rs745558654, ClinGen allele CA9584987.